The following is an entry in ClinVar:

NM_001378183.1(PIEZO2):c.4531G>C (p.Ala1511Pro)

Gene: PIEZO2 (piezo type mechanosensitive ion channel component 2; minus strand). Cytogenetic location: 18p11.22.
Variant type: single nucleotide variant.
Coding change: c.4531G>C on transcript NM_001378183.1 (MANE Select); coding-DNA position 4531, G replaced by C.
Protein change: p.Ala1511Pro; replaces alanine 1511 with proline.
Molecular consequence: missense variant.
Genome position (GRCh38, 1-based): chr18:10,742,599, C>G on the plus strand (G>C on the coding strand, the complement: PIEZO2 is on the minus strand). VCF-style: chr18-10742599-C-G. GRCh37 (hg19) VCF-style: chr18-10742597-C-G.
Other names: c.4531G>C, p.Ala1511Pro (NM_001410871.1); c.4456G>C, p.Ala1486Pro (NM_022068.4); short protein forms A1486P, A1511P.
Identifiers: ClinVar variation 2662542 (VCV002662542.1), dbSNP rs2037267772, ClinGen allele CA401916804.

ClinVar aggregate classification (germline): Uncertain significance (1 of 4 stars; one submission).

Submission:

GeneDx
Classification: Uncertain significance. Last evaluated: 2023-04-10. Review status: criteria provided, single submitter. Criteria: GeneDx Variant Classification Process June 2021. Collection method: clinical testing. Allele origin: germline. Affected: yes.
Comment: Not observed at significant frequency in large population cohorts (gnomAD); In silico analysis supports that this missense variant has a deleterious effect on protein structure/function; This variant is associated with the following publications: (PMID: 30988732, 25712306)